The following is an entry in ClinVar:

ClinVar aggregate classification (germline): Uncertain significance (1 of 4 stars; one submission).

Conditions:
Cardiovascular phenotype. Identifiers: MedGen CN230736.

gnomAD v4.1: 1 of 1,602,750 alleles (0.000062%); highest among the groups gnomAD compares: Non-Finnish European, 0.000085%; no homozygotes.

Submission:

Ambry Genetics
Classification: Uncertain significance for Cardiovascular phenotype. Last evaluated: 2026-05-12. Review status: criteria provided, single submitter. Criteria: Ambry Variant Classification Scheme 2023. Collection method: clinical testing. Allele origin: germline.
Comment: The p.E2843A variant (also known as c.8528A>C), located in coding exon 33 of the AKAP9 gene, results from an A to C substitution at nucleotide position 8528. The glutamic acid at codon 2843 is replaced by alanine, an amino acid with dissimilar properties. This amino acid position is highly conserved in available vertebrate species. In addition, this alteration is predicted to be tolerated by in silico analysis. The evidence for this gene-disease relationship is limited; therefore, the clinical significance of this variant is unclear.

NM_005751.5(AKAP9):c.8528A>C (p.Glu2843Ala)

Gene: AKAP9 (A-kinase anchoring protein 9; plus strand). Cytogenetic location: 7q21.2.
Variant type: single nucleotide variant.
Coding change: c.8528A>C on transcript NM_005751.5 (MANE Select); coding-DNA position 8528, A replaced by C.
Protein change: p.Glu2843Ala; replaces glutamic acid 2843 with alanine.
Molecular consequence: missense variant.
Genome position (GRCh38, 1-based): chr7:92,083,537, A>C. VCF-style: chr7-92083537-A-C. GRCh37 (hg19) VCF-style: chr7-91712851-A-C.
Other names: c.3173A>C, p.Glu1058Ala (NM_001379277.1); c.8504A>C, p.Glu2835Ala (NM_147185.3); short protein forms E1058A, E2835A, E2843A.
Identifiers: ClinVar variation 4869044 (VCV004869044.1).